The following is an entry in ClinVar:

ClinVar aggregate classification (germline): Benign/Likely benign. Review status: criteria provided, multiple submitters, no conflicts (2 of 4 stars). 4 submissions from 4 submitters: Benign (2); Likely benign (2). Last evaluated 2026-02-01.

Allele frequency attached by ClinVar (database versions not stated): ESP Exome Variant Server 0.00849; gnomAD 0.00869; 1000 Genomes Project 30x 0.01015; 1000 Genomes Project 0.01038; TOPMed 0.01067.
gnomAD v4.1: 2,744 of 1,611,614 alleles (0.17%); highest among the groups gnomAD compares: African/African-American, 2.9%; 38 homozygotes.

Submissions (4):

Labcorp Genetics (formerly Invitae), Labcorp
Classification: Benign. Last evaluated: 2026-02-01. Review status: criteria provided, single submitter. Criteria: Invitae Variant Classification Sherloc (09022015). Collection method: clinical testing. Allele origin: germline.

Mayo Clinic Laboratories, Mayo Clinic
Classification: Benign. Last evaluated: 2024-06-03. Review status: criteria provided, single submitter. Criteria: ACMG Guidelines, 2015. Collection method: clinical testing. Allele origin: germline. Observed: 5 variant alleles.
Comment: BS1, BS2, BP4, BP7

GeneDx
Classification: Likely benign. Last evaluated: 2021-01-04. Review status: criteria provided, single submitter. Criteria: GeneDx Variant Classification Process June 2021. Collection method: clinical testing. Allele origin: germline. Affected: yes.

Breakthrough Genomics
Classification: Likely benign. Review status: criteria provided, single submitter. Criteria: ACMG Guidelines, 2015. Collection method: not provided. Allele origin: germline. Inheritance: Unknown mechanism. Affected: yes.

NM_005245.4(FAT1):c.11592G>T (p.Thr3864=)

Gene: FAT1 (FAT atypical cadherin 1; minus strand). Cytogenetic location: 4q35.2.
Variant type: single nucleotide variant.
Coding change: c.11592G>T on transcript NM_005245.4 (MANE Select); coding-DNA position 11592, G replaced by T.
Protein change: p.Thr3864=; no amino-acid change (threonine 3864 retained).
Molecular consequence: synonymous variant.
Genome position (GRCh38, 1-based): chr4:186,601,317, C>A on the plus strand (G>T on the coding strand, the complement: FAT1 is on the minus strand). VCF-style: chr4-186601317-C-A. GRCh37 (hg19) VCF-style: chr4-187522471-C-A.
Other names: p.Thr3864=.
Identifiers: ClinVar variation 712555 (VCV000712555.12), dbSNP rs141298894, ClinGen allele CA3165059.
Genomic context (GRCh38, chr4:186,601,317, plus strand): 5'-GGAGAAACATACCTCCAAGATGCTATAGTCAGTTCCTCGAGCATACATGACAACCGCATG[C>A]GTGGAATATGTTCTGAGCCTCATGGTCAGTTTCATCTCTAATTTGTTTTCATTTTCCGTC-3'
Protein context (NP_005236.2, residues 3854-3874): KLTMRLRTYS[Thr3864=]HAVVMYARGT